The following is an entry in ClinVar:

ClinVar aggregate classification (germline): Uncertain significance (1 of 4 stars; one submission).

Conditions:
MHC class I deficiency. Identifiers: Orphanet 34592, MedGen C6024714, MONDO:0011476.

Submission:

Labcorp Genetics (formerly Invitae), Labcorp
Classification: Uncertain significance for MHC class I deficiency 1. Last evaluated: 2020-01-26. Review status: criteria provided, single submitter. Criteria: Invitae Variant Classification Sherloc (09022015). Collection method: clinical testing. Allele origin: germline.
Comment: In summary, the available evidence is currently insufficient to determine the role of this variant in disease. Therefore, it has been classified as a Variant of Uncertain Significance. Algorithms developed to predict the effect of missense changes on protein structure and function are either unavailable or do not agree on the potential impact of this missense change (SIFT: "Deleterious"; PolyPhen-2: "Not Available"; Align-GVGD: "Class C0"). This variant has not been reported in the literature in individuals with TAP2-related conditions. This variant is not present in population databases (ExAC no frequency). This sequence change replaces valine with alanine at codon 309 of the TAP2 protein (p.Val309Ala). The valine residue is highly conserved and there is a small physicochemical difference between valine and alanine.

NM_001290043.2(TAP2):c.926T>C (p.Val309Ala)

Gene: TAP2 (transporter 2, ATP binding cassette subfamily B member; minus strand). Cytogenetic location: 6p21.32.
Variant type: single nucleotide variant.
Coding change: c.926T>C on transcript NM_001290043.2 (MANE Select); coding-DNA position 926, T replaced by C.
Protein change: p.Val309Ala; replaces valine 309 with alanine.
Molecular consequence: missense variant.
Genome position (GRCh38, 1-based): chr6:32,835,173, A>G on the plus strand (T>C on the coding strand, the complement: TAP2 is on the minus strand). VCF-style: chr6-32835173-A-G. GRCh37 (hg19) VCF-style: chr6-32802950-A-G.
Other names: c.926T>C, p.Val309Ala (NM_000544.3, NM_018833.3); short protein forms V309A.
Identifiers: ClinVar variation 1056947 (VCV001056947.8), dbSNP rs2127363038, ClinGen allele CA363584041.